The following is an entry in ClinVar:

ClinVar aggregate classification (germline): Conflicting classifications of pathogenicity. Review status: criteria provided, conflicting classifications (1 of 4 stars). 6 submissions from 6 submitters: Uncertain significance (2); Benign (1); Likely benign (2). 1 of the submissions does not count toward it. Last evaluated 2024-11-07.

Conditions:
Bardet-Biedl syndrome 15 (BBS15). Identifiers: Orphanet 110, MedGen C3150127, MONDO:0014443, OMIM 615992.
Heart defect - tongue hamartoma - polysyndactyly syndrome. Also called: Congenital heart defects, hamartomas of tongue, and polysyndactyly. Identifiers: Orphanet 1338, MedGen C1857587, MONDO:0009008, OMIM 217085.
WDPCP-related disorder. Also called: WDPCP-related condition.
Inborn genetic diseases. Identifiers: MedGen C0950123, MeSH D030342.
Bardet-Biedl syndrome (BBS). Identifiers: Orphanet 110, MedGen C0752166, MONDO:0015229.

Allele frequency attached by ClinVar (database versions not stated): gnomAD exomes 0.00020; TOPMed 0.00022; ExAC 0.00039; gnomAD 0.00019.
gnomAD v4.1: 246 of 1,574,730 alleles (0.016%); highest among the groups gnomAD compares: Non-Finnish European, 0.017%; 1 homozygote.

Submissions (6):

Blueprint Genetics
Classification: Benign. Last evaluated: 2024-11-07. Review status: criteria provided, single submitter. Criteria: ACMG Guidelines, 2015. Collection method: clinical testing. Allele origin: germline.

Fulgent Genetics
Classification: Likely benign for Heart defect - tongue hamartoma - polysyndactyly syndrome; Bardet-Biedl syndrome 15. Last evaluated: 2024-02-17. Review status: criteria provided, single submitter. Criteria: ACMG Guidelines, 2015. Collection method: clinical testing. Allele origin: germline.

Labcorp Genetics (formerly Invitae), Labcorp
Classification: Uncertain significance for Bardet-Biedl syndrome. Last evaluated: 2022-09-27. Review status: criteria provided, single submitter. Criteria: Invitae Variant Classification Sherloc (09022015). Collection method: clinical testing. Allele origin: germline.
Comment: This sequence change replaces phenylalanine, which is neutral and non-polar, with leucine, which is neutral and non-polar, at codon 5 of the WDPCP protein (p.Phe5Leu). This variant is present in population databases (rs768802269, gnomAD 0.1%). This variant has not been reported in the literature in individuals affected with WDPCP-related conditions. ClinVar contains an entry for this variant (Variation ID: 193387). Algorithms developed to predict the effect of missense changes on protein structure and function output the following: SIFT: "Tolerated"; PolyPhen-2: "Benign"; Align-GVGD: "Class C0". The leucine amino acid residue is found in multiple mammalian species, which suggests that this missense change does not adversely affect protein function. In summary, the available evidence is currently insufficient to determine the role of this variant in disease. Therefore, it has been classified as a Variant of Uncertain Significance.

Ambry Genetics
Classification: Likely benign for Inborn genetic diseases. Last evaluated: 2021-11-29. Review status: criteria provided, single submitter. Criteria: Ambry Variant Classification Scheme 2023. Collection method: clinical testing. Allele origin: germline.

Eurofins Ntd Llc (ga)
Classification: Uncertain significance. Last evaluated: 2015-01-05. Review status: criteria provided, single submitter. Criteria: EGL Classification Definitions 2015. Collection method: clinical testing. Allele origin: germline. Observed: 1 variant allele, 1 heterozygote.

PreventionGenetics, part of Exact Sciences
Classification: Likely benign for WDPCP-related condition. Last evaluated: 2024-04-10. Review status: no assertion criteria provided. Collection method: clinical testing. Allele origin: germline. Not counted in ClinVar's aggregate classification.
Comment: This variant is classified as likely benign based on ACMG/AMP sequence variant interpretation guidelines (Richards et al. 2015 PMID: 25741868, with internal and published modifications).

Literature cited by the submitters: PubMed 33046855 (cited by Ambry Genetics).

NM_015910.7(WDPCP):c.13T>C (p.Phe5Leu)

Gene: WDPCP (WD repeat containing planar cell polarity effector; minus strand). Cytogenetic location: 2p15.
Variant type: single nucleotide variant.
Coding change: c.13T>C on transcript NM_015910.7 (MANE Select); coding-DNA position 13, T replaced by C.
Protein change: p.Phe5Leu; replaces phenylalanine 5 with leucine.
Molecular consequence: missense variant. On other transcripts: 5 prime UTR variant (1), non-coding transcript variant (2).
Genome position (GRCh38, 1-based): chr2:63,588,259, A>G on the plus strand (T>C on the coding strand, the complement: WDPCP is on the minus strand). VCF-style: chr2-63588259-A-G. GRCh37 (hg19) VCF-style: chr2-63815393-A-G.
Other names: c.-312T>C (NM_001354044.2); c.13T>C, p.Phe5Leu (NM_001354045.2); short protein forms F5L.
Identifiers: ClinVar variation 193387 (VCV000193387.13), dbSNP rs768802269, ClinGen allele CA238905.
Genomic context (GRCh38, chr2:63,588,259, plus strand): 5'-GTCTCGGGAGTGGGGAAGAAGCGCGACTCCCGGCCGCTTTGGAGTAGGCGTCCCAGCAAA[A>G]CTCTCGCCTCATCACCAGACACTACCCCGGGCAGAAGGTTCCTAGGCTAGGTCCTCGGAC-3'
Protein context (NP_056994.3, residues 1-15): MRRE[Phe5Leu]CWDAYSKAAG